The following is an entry in ClinVar:

NM_004113.6(FGF12):c.214T>C (p.Tyr72His)

Gene: FGF12 (fibroblast growth factor 12; minus strand). Cytogenetic location: 3q28.
Variant type: single nucleotide variant.
Coding change: c.214T>C on transcript NM_004113.6 (MANE Select); coding-DNA position 214, T replaced by C.
Protein change: p.Tyr72His; replaces tyrosine 72 with histidine.
Molecular consequence: missense variant.
Genome position (GRCh38, 1-based): chr3:192,335,375, A>G on the plus strand (T>C on the coding strand, the complement: FGF12 is on the minus strand). VCF-style: chr3-192335375-A-G. GRCh37 (hg19) VCF-style: chr3-192053164-A-G.
Other names: c.103T>C, p.Tyr35His (NM_001377292.1); c.142T>C, p.Tyr48His (NM_001377293.1, NM_001377294.1); c.400T>C, p.Tyr134His (NM_021032.5); short protein forms Y134H, Y35H, Y48H, Y72H.
Identifiers: ClinVar variation 1638153 (VCV001638153.17), dbSNP rs769728469, ClinGen allele CA2755795.
Genomic context (GRCh38, chr3:192,335,375, plus strand): 5'-GGTAGTTCACACACATACACACAAATACACACTACAATGTACTTACTGAACTGTAGAGAT[A>G]GCCTTCACCATTCATGGCCACATAGAGGCTAGCCTTCACTCCTTGGATGGCCACTACACG-3'
Protein context (NP_004104.3, residues 62-82): SLYVAMNGEG[Tyr72His]LYSSDVFTPE

ClinVar aggregate classification (germline): Conflicting classifications of pathogenicity. Review status: criteria provided, conflicting classifications (1 of 4 stars). 3 submissions from 3 submitters: Uncertain significance (1); Benign (1); Likely benign (1). Last evaluated 2025-08-01.

Allele frequency attached by ClinVar (database versions not stated): ExAC 0.00001; gnomAD 0.00001; gnomAD exomes 0.00001; TOPMed 0.00001.
gnomAD v4.1: 15 of 1,610,628 alleles (0.00093%); highest among the groups gnomAD compares: Non-Finnish European, 0.0013%; no homozygotes.

Submissions (3):

CeGaT Center for Human Genetics Tuebingen
Classification: Likely benign. Last evaluated: 2025-08-01. Review status: criteria provided, single submitter. Criteria: CeGaT Center For Human Genetics Tuebingen Variant Classification Criteria Version 2. Collection method: clinical testing. Allele origin: germline. Affected: yes. Observed: 1 variant allele.
Comment: FGF12: BS2

Blueprint Genetics
Classification: Uncertain significance. Last evaluated: 2024-10-02. Review status: criteria provided, single submitter. Criteria: ACMG Guidelines, 2015. Collection method: clinical testing. Allele origin: germline.

Labcorp Genetics (formerly Invitae), Labcorp
Classification: Benign. Last evaluated: 2024-04-01. Review status: criteria provided, single submitter. Criteria: Invitae Variant Classification Sherloc (09022015). Collection method: clinical testing. Allele origin: germline.